The following is an entry in ClinVar:

ClinVar aggregate classification (germline): Uncertain significance (1 of 4 stars; one submission).

Conditions:
Perlman syndrome (PRLMNS). Identifiers: Orphanet 2849, MedGen C0796113, MONDO:0009965, OMIM 267000.

Submission:

Labcorp Genetics (formerly Invitae), Labcorp
Classification: Uncertain significance for Perlman syndrome. Last evaluated: 2019-12-04. Review status: criteria provided, single submitter. Criteria: Invitae Variant Classification Sherloc (09022015). Collection method: clinical testing. Allele origin: germline.
Comment: In summary, the available evidence is currently insufficient to determine the role of this variant in disease. Therefore, it has been classified as a Variant of Uncertain Significance. Algorithms developed to predict the effect of missense changes on protein structure and function are either unavailable or do not agree on the potential impact of this missense change (SIFT: "Deleterious"; PolyPhen-2: "Probably Damaging"; Align-GVGD: "Class C0"). This variant has not been reported in the literature in individuals with DIS3L2-related conditions. This variant is not present in population databases (ExAC no frequency). This sequence change replaces proline with serine at codon 276 of the DIS3L2 protein (p.Pro276Ser). The proline residue is highly conserved and there is a moderate physicochemical difference between proline and serine.

NM_152383.5(DIS3L2):c.826C>T (p.Pro276Ser)

Gene: DIS3L2 (DIS3 like 3'-5' exoribonuclease 2; plus strand). Cytogenetic location: 2q37.1.
Variant type: single nucleotide variant.
Coding change: c.826C>T on transcript NM_152383.5 (MANE Select); coding-DNA position 826, C replaced by T.
Protein change: p.Pro276Ser; replaces proline 276 with serine.
Molecular consequence: missense variant. On other transcripts: non-coding transcript variant (1).
Genome position (GRCh38, 1-based): chr2:232,136,595, C>T. VCF-style: chr2-232136595-C-T. GRCh37 (hg19) VCF-style: chr2-233001305-C-T.
Other names: c.826C>T, p.Pro276Ser (NM_001257281.2); short protein forms P276S.
Identifiers: ClinVar variation 848566 (VCV000848566.9), dbSNP rs1698364735, ClinGen allele CA351153674.
Genomic context (GRCh38, chr2:232,136,595, plus strand): 5'-GATAAGAACAGCGAACTGTTTAGGAAATACGCCCTGTTTTCTCCCTCAGACCACCGAGTG[C>T]CTAGAATTTATGTGCCTCTCAAGGACTGTCCCCAGGACTTTGTGGCACGGCCTAAAGATT-3'
Protein context (NP_689596.4, residues 266-286): ALFSPSDHRV[Pro276Ser]RIYVPLKDCP